The following is an entry in ClinVar:

NM_000059.4(BRCA2):c.1189_1190insTTAG (p.Gln397fs)

Gene: BRCA2 (BRCA2 DNA repair associated; plus strand). Cytogenetic location: 13q13.1.
Variant type: Insertion.
Coding change: c.1189_1190insTTAG on transcript NM_000059.4 (MANE Select); coding-DNA positions 1189 to 1190, TTAG inserted.
Protein change: p.Gln397fs; shifts the reading frame from glutamine 397.
Molecular consequence: frameshift variant.
Genome position: GRCh38 VCF-style: chr13-32332667-C-CTTAG. GRCh37 (hg19) VCF-style: chr13-32906804-C-CTTAG.
Other names: 1417insTTAG; short protein forms Q397fs.
Identifiers: ClinVar variation 51080 (VCV000051080.43), dbSNP rs397515635, ClinGen allele CA011099.

ClinVar aggregate classification (germline): Pathogenic. Review status: reviewed by expert panel (3 of 4 stars). 20 submissions from 20 submitters: Pathogenic (1). 19 of the submissions do not count toward it. Last evaluated 2016-10-18.

Conditions:
Inherited ovarian cancer (without breast cancer).
Inherited breast cancer and ovarian cancer.
BRCA2-related cancer predisposition. Identifiers: MedGen CN377758, MONDO:0700269.
BRCA2-related disorder. Also called: BRCA2-related condition; BRCA2-related disorders. Identifiers: MedGen CN239275.
Hereditary cancer-predisposing syndrome. Also called: Hereditary Cancer Syndrome; Neoplastic Syndromes, Hereditary; Hereditary neoplastic syndrome; Tumor predisposition. Identifiers: Orphanet 140162, MedGen C0027672, MeSH D009386, MONDO:0015356.
Hereditary breast ovarian cancer syndrome. Also called: Hereditary breast and ovarian cancer syndrome; Breast and ovarian cancer; BRCA1- and BRCA2-Associated Hereditary Breast and Ovarian Cancer; Hereditary breast and/or ovarian cancer syndrome; Hereditary breast and ovarian cancer; Hereditary breast and ovarian cancer syndrome (HBOC). Identifiers: Orphanet 145, MedGen C0677776, MeSH D061325, MONDO:0003582. Disease mechanism: loss of function.
Breast-ovarian cancer, familial, susceptibility to, 2 (BROVCA2). Also called: BRCA2 Hereditary Breast and Ovarian Cancer. Identifiers: Orphanet 145, MedGen C2675520, MONDO:0012933, OMIM 612555. Disease mechanism: loss of function.
Familial cancer of breast. Also called: hereditary breast carcinoma; BREAST CANCER, FAMILIAL; Hereditary breast cancer. Identifiers: Orphanet 227535, MedGen C0346153, MONDO:0016419, OMIM 114480. Disease mechanism: loss of function.

Allele frequency attached by ClinVar (database versions not stated): gnomAD exomes below 0.00001 and 0.00001.

Submissions 1 to 10 of 20:

Evidence-based Network for the Interpretation of Germline Mutant Alleles (ENIGMA)
Classification: Pathogenic for Breast-ovarian cancer, familial, susceptibility to, 2. Last evaluated: 2016-10-18. Review status: reviewed by expert panel. Criteria: ENIGMA BRCA1/2 Classification Criteria (2015). Collection method: curation. Allele origin: germline.
Comment: Variant allele predicted to encode a truncated non-functional protein.

Genomics and Molecular Medicine Service, East Genomic Laboratory Hub, NHS Genomic Medicine Service
Classification: Pathogenic for Inherited breast cancer and ovarian cancer. Last evaluated: 2026-07-28. Review status: criteria provided, single submitter. Criteria: ACGS Best Practice Guidelines for Variant Classification in Rare Disease 2020. Collection method: clinical testing. Allele origin: germline. Affected: yes. Not counted in ClinVar's aggregate classification.
Comment: PVS1,PS4_Very Strong,PM5_Strong

Labcorp Genetics (formerly Invitae), Labcorp
Classification: Pathogenic for Hereditary breast ovarian cancer syndrome. Last evaluated: 2025-12-23. Review status: criteria provided, single submitter. Criteria: Invitae Variant Classification Sherloc (09022015). Collection method: clinical testing. Allele origin: germline. Not counted in ClinVar's aggregate classification.
Comment: This sequence change creates a premature translational stop signal (p.Gln397Leufs*25) in the BRCA2 gene. It is expected to result in an absent or disrupted protein product. Loss-of-function variants in BRCA2 are known to be pathogenic (PMID: 20104584). This variant is present in population databases (rs397515635, gnomAD 0.0009%). This premature translational stop signal has been observed in individual(s) with clinical features of hereditary breast and ovarian cancer syndrome (PMID: 16644204, 22006311, 26681312, 26787237, 27989354, 29961768). This variant is also known as 1417insTTAG and 1418insTTAG. ClinVar contains an entry for this variant (Variation ID: 51080). For these reasons, this variant has been classified as Pathogenic.

PreventionGenetics, part of Exact Sciences
Classification: Pathogenic for BRCA2-related condition. Last evaluated: 2025-12-04. Review status: criteria provided, single submitter. Criteria: ACMG Guidelines, 2015. Collection method: clinical testing. Allele origin: germline. Not counted in ClinVar's aggregate classification.
Comment: The BRCA2 c.1189_1190insTTAG variant is predicted to result in a frameshift and premature protein termination (p.Gln397Leufs*25). This variant has been reported in families with breast and ovarian cancer (Lalloo et al. 2006. PubMed ID: 16644204; Walsh et al. 2011. PubMed ID: 22006311; Susswein et al. 2016. PubMed ID: 26681312). This variant is reported in 0.00088% of alleles in individuals of European (Non-Finnish) descent in gnomAD and is interpreted as pathogenic in ClinVar by an expert panel (Variation ID: 51080). Frameshift variants in BRCA2 are expected to be pathogenic. This variant is interpreted as pathogenic.

Genetics Laboratory, Great Ormond Street Hospital NHS Foundation Trust, North Thames Genomic Laboratory Hub
Classification: Pathogenic for Inherited ovarian cancer (without breast cancer). Last evaluated: 2025-10-31. Review status: criteria provided, single submitter. Criteria: CanVIG BRCA Gene Specific V1.22. Collection method: clinical testing. Allele origin: germline. Affected: yes. Not counted in ClinVar's aggregate classification.
Comment: PS4_very-strong, PM2_supporting, PVS1_very-strong, PM5_strong

Ambry Genetics
Classification: Pathogenic for Hereditary cancer-predisposing syndrome. Last evaluated: 2025-05-16. Review status: criteria provided, single submitter. Criteria: Ambry Variant Classification Scheme 2023. Collection method: clinical testing. Allele origin: germline. Not counted in ClinVar's aggregate classification.
Comment: The c.1189_1190insTTAG pathogenic mutation, located in coding exon 9 of the BRCA2 gene, results from an insertion of 4 nucleotides at position 1189, causing a translational frameshift with a predicted alternate stop codon (p.Q397Lfs*25). This alteration has been previously reported in multiple individuals with a personal and/or family history of early-onset breast, ovarian, and/or pancreatic cancer (Lalloo F et al. Eur. J. Cancer. 2006 May;42(8):1143-50; Haffty BG et al. Ann. Oncol. 2009 Oct;20(10):1653-9; Walsh T et al. Proc. Natl. Acad. Sci. USA. 2011 Nov;108(44):18032-7; Yurgelun MB et al. Genet. Med. 2019 01;21(1):213-223) as well as in identified in a large, worldwide study of BRCA1/2 mutation positive families (Rebbeck TR et al. Hum. Mutat. 2018 05;39(5):593-620). Of note, this alteration is also designated as 1417ins4 and 1417insTTAG in published literature. In addition to the clinical data presented in the literature, this alteration is expected to result in loss of function by premature protein truncation or nonsense-mediated mRNA decay. As such, this alteration is interpreted as a disease-causing mutation.

Variantyx, Inc.
Classification: Pathogenic for Breast-ovarian cancer, familial, susceptibility to, 2. Last evaluated: 2025-04-25. Review status: criteria provided, single submitter. Criteria: Variantyx Assertion Criteria 2022. Collection method: clinical testing. Allele origin: germline. Inheritance: Autosomal dominant inheritance. Affected: yes. Not counted in ClinVar's aggregate classification.
Comment: This is a frameshift variant in the BRCA2 gene (OMIM: 600185). Pathogenic variants in this gene have been associated with autosomal dominant susceptibility to familial breast-ovarian cancer 2. This variant has been reported in the heterozygous state in multiple unrelated affected individuals (PMID: 16644204, 26787237, 22006311, 30322717, 29961768, 27989354). Thie alteration introduces a premature termination codon in exon 10 out of 27 and is expected to result in loss of function, which is a known disease mechanism for BRCA2 in this disorder (PMID: 20301425) (PVS1). This variant has a 0.0013% maximum allele frequency in non-founder control populations (PM2). Other reputable laboratories have reported this variant as pathogenic or likely pathogenic, and this classification has been validated by an expert panel in ClinVar (PP5). Based on the current evidence, this variant is classified as pathogenic for autosomal dominant susceptibility to familial breast-ovarian cancer 2.

Department of Pathology and Laboratory Medicine, Sinai Health System
Classification: Pathogenic for BRCA2-related cancer predisposition. Last evaluated: 2024-12-20. Review status: criteria provided, single submitter. Criteria: ACMG Guidelines, 2015. Collection method: clinical testing. Allele origin: germline. Not counted in ClinVar's aggregate classification.

Quest Diagnostics Nichols Institute San Juan Capistrano
Classification: Pathogenic. Last evaluated: 2024-03-08. Review status: criteria provided, single submitter. Criteria: Quest Diagnostics criteria. Collection method: clinical testing. Allele origin: unknown. Not counted in ClinVar's aggregate classification.
Comment: The BRCA2 c.1189_1190insTTAG (p.Gln397Leufs*25) variant alters the translational reading frame of the BRCA2 mRNA and causes the premature termination of BRCA2 protein synthesis. This variant has been reported in the published literature in individuals and families affected by breast and/or ovarian cancer (PMID: 34326862 (2021), 33758026 (2022), 29961768 (2019), 30322717 (2018), 22006311 (2011), 16644204 (2006)). The frequency of this variant in the general population, 0.000004 (1/250170 chromosomes (Genome Aggregation Database)), is consistent with pathogenicity. It was also reported in two breast cancer cases in a large scale breast cancer association study (PMID: 33471991 (2021), see also LOVD). Based on the available information, this variant is classified as pathogenic.

All of Us Research Program, National Institutes of Health
Classification: Pathogenic for Breast-ovarian cancer, familial, susceptibility to, 2. Last evaluated: 2024-01-08. Review status: criteria provided, single submitter. Criteria: ACMG Guidelines, 2015. Collection method: clinical testing. Allele origin: germline. Inheritance: Autosomal dominant inheritance. Observed: 4 variant alleles, 4 heterozygotes. Not counted in ClinVar's aggregate classification.
Comment: This variant inserts 4 nucleotides in exon 10 of the BRCA2 gene, creating a frameshift and premature translation stop signal. This variant is expected to result in an absent or non-functional protein product. This variant has been reported in individuals affected with breast cancer (PMID: 16644204, 26787237), ovarian cancer (PMID: 22006311, 30322717), pancreatic cancer (PMID: 29961768), and prostate cancer (PMID: 27989354). This variant has been identified in 1/250170 chromosomes in the general population by the Genome Aggregation Database (gnomAD). Loss of BRCA2 function is a known mechanism of disease. Based on the available evidence, this variant is classified as Pathogenic.

This study involves interpretation of variants in research participants for the purpose of population health screening. Participant phenotype was not available at the time of variant classification. Additional details can be found in publication PMID: 35346344, PMCID: PMC8962531